The following is an entry in ClinVar:

ClinVar aggregate classification (germline): Uncertain significance. Review status: criteria provided, multiple submitters, no conflicts (2 of 4 stars). 2 submissions from 2 submitters: Uncertain significance (2). Last evaluated 2026-02-23.

Conditions:
Inborn genetic diseases. Identifiers: MedGen C0950123, MeSH D030342.

Submissions (2):

Ambry Genetics
Classification: Uncertain significance for Inborn genetic diseases. Last evaluated: 2026-02-23. Review status: criteria provided, single submitter. Criteria: Ambry Variant Classification Scheme 2023. Collection method: clinical testing. Allele origin: germline.

GeneDx
Classification: Uncertain significance. Last evaluated: 2024-11-08. Review status: criteria provided, single submitter. Criteria: GeneDx Variant Classification Process June 2021. Collection method: clinical testing. Allele origin: germline. Affected: yes.
Comment: Not observed at significant frequency in large population cohorts (gnomAD); In silico analysis supports that this missense variant has a deleterious effect on protein structure/function; Has not been previously published as pathogenic or benign to our knowledge

NM_024747.6(HPS6):c.2120T>C (p.Leu707Pro)

Gene: HPS6 (HPS6 biogenesis of lysosomal organelles complex 2 subunit 3; plus strand). Cytogenetic location: 10q24.32.
Variant type: single nucleotide variant.
Coding change: c.2120T>C on transcript NM_024747.6 (MANE Select); coding-DNA position 2120, T replaced by C.
Protein change: p.Leu707Pro; replaces leucine 707 with proline.
Molecular consequence: missense variant.
Genome position (GRCh38, 1-based): chr10:102,067,594, T>C. VCF-style: chr10-102067594-T-C. GRCh37 (hg19) VCF-style: chr10-103827351-T-C.
Other names: short protein forms L707P.
Identifiers: ClinVar variation 3899086 (VCV003899086.2).